The following is an entry in ClinVar:

ClinVar aggregate classification (germline): Uncertain significance (1 of 4 stars; one submission).

Conditions:
Koolen-de Vries syndrome (KDVS). Identifiers: Orphanet 96169, MedGen C1864871, MONDO:0012496, OMIM 610443.

Allele frequency attached by ClinVar (database versions not stated): gnomAD exomes below 0.00001.
gnomAD v4.1: 2 of 1,603,580 alleles (0.00012%); highest among the groups gnomAD compares: Admixed American, 0.0017%; no homozygotes.

Submission:

Labcorp Genetics (formerly Invitae), Labcorp
Classification: Uncertain significance for Koolen-de Vries syndrome. Last evaluated: 2024-05-07. Review status: criteria provided, single submitter. Criteria: Invitae Variant Classification Sherloc (09022015). Collection method: clinical testing. Allele origin: germline.
Comment: This sequence change replaces phenylalanine, which is neutral and non-polar, with valine, which is neutral and non-polar, at codon 917 of the KANSL1 protein (p.Phe917Val). The frequency data for this variant in the population databases is considered unreliable, as metrics indicate poor data quality at this position in the gnomAD database. This variant has not been reported in the literature in individuals affected with KANSL1-related conditions. ClinVar contains an entry for this variant (Variation ID: 2119460). Advanced modeling of protein sequence and biophysical properties (such as structural, functional, and spatial information, amino acid conservation, physicochemical variation, residue mobility, and thermodynamic stability) performed at Invitae indicates that this missense variant is expected to disrupt KANSL1 protein function with a positive predictive value of 80%. In summary, the available evidence is currently insufficient to determine the role of this variant in disease. Therefore, it has been classified as a Variant of Uncertain Significance.

NM_015443.4(KANSL1):c.2749T>G (p.Phe917Val)

Gene: KANSL1 (KAT8 regulatory NSL complex subunit 1). Cytogenetic location: 17q21.31.
Variant type: single nucleotide variant.
Coding change: c.2749T>G on transcript NM_015443.4 (MANE Select); coding-DNA position 2749, T replaced by G.
Protein change: p.Phe917Val; replaces phenylalanine 917 with valine.
Molecular consequence: missense variant.
Genome position (GRCh38, 1-based): chr17:46,033,168, A>C on the plus strand (T>G on the coding strand, the complement: KANSL1 is on the minus strand). VCF-style: chr17-46033168-A-C. GRCh37 (hg19) VCF-style: chr17-44110534-A-C.
Other names: c.2749T>G, p.Phe917Val (NM_001405855.1, NM_001405872.1, NM_001405873.1 and 4 more transcripts); c.2746T>G, p.Phe916Val (NM_001405856.1, NM_001405857.1, NM_001405858.1 and 1 more transcripts); c.2647T>G, p.Phe883Val (NM_001405859.1, NM_001405860.1); c.2644T>G, p.Phe882Val (NM_001405861.1, NM_001405881.1); c.1294T>G, p.Phe432Val (NM_001405884.1); c.1291T>G, p.Phe431Val (NM_001405885.1); c.2560T>G, p.Phe854Val (NM_001405875.1, NM_001405876.1, NM_001405877.1 and 1 more transcripts); c.2557T>G, p.Phe853Val (NM_001405879.1, NM_001405880.1); and 2 more; short protein forms F431V, F494V, F882V, F432V, F883V, F916V, F853V, F917V.
Identifiers: ClinVar variation 2119460 (VCV002119460.4), dbSNP rs1222748159, ClinGen allele CA399987786.